The following is an entry in ClinVar:

ClinVar aggregate classification (germline): Uncertain significance (1 of 4 stars; one submission).

gnomAD v4.1: 10 of 1,614,086 alleles (0.00062%); highest among the groups gnomAD compares: African/African-American, 0.008%; no homozygotes.

Submission:

Labcorp Genetics (formerly Invitae), Labcorp
Classification: Uncertain significance. Last evaluated: 2025-02-05. Review status: criteria provided, single submitter. Criteria: Invitae Variant Classification Sherloc (09022015). Collection method: clinical testing. Allele origin: germline.
Comment: This sequence change replaces aspartic acid, which is acidic and polar, with glutamic acid, which is acidic and polar, at codon 287 of the KIF20A protein (p.Asp287Glu). This variant is present in population databases (no rsID available, gnomAD 0.009%). This variant has not been reported in the literature in individuals affected with KIF20A-related conditions. An algorithm developed to predict the effect of missense changes on protein structure and function (PolyPhen-2) suggests that this variant is likely to be disruptive. In summary, the available evidence is currently insufficient to determine the role of this variant in disease. Therefore, it has been classified as a Variant of Uncertain Significance.

NM_005733.3(KIF20A):c.861C>A (p.Asp287Glu)

Gene: KIF20A (kinesin family member 20A; plus strand). Cytogenetic location: 5q31.2.
Variant type: single nucleotide variant.
Coding change: c.861C>A on transcript NM_005733.3 (MANE Select); coding-DNA position 861, C replaced by A.
Protein change: p.Asp287Glu; replaces aspartic acid 287 with glutamic acid.
Molecular consequence: missense variant.
Genome position (GRCh38, 1-based): chr5:138,183,197, C>A. VCF-style: chr5-138183197-C-A. GRCh37 (hg19) VCF-style: chr5-137518886-C-A.
Other names: short protein forms D287E.
Identifiers: ClinVar variation 3610210 (VCV003610210.2).